The following is an entry in ClinVar:

NM_022552.5(DNMT3A):c.1667+5G>A

Gene: DNMT3A (DNA methyltransferase 3 alpha; minus strand). Cytogenetic location: 2p23.3.
Variant type: single nucleotide variant.
Coding change: c.1667+5G>A on transcript NM_022552.5 (MANE Select); 5 bases into the intron after coding-DNA position 1667, G replaced by A.
Molecular consequence: intron variant.
Genome position (GRCh38, 1-based): chr2:25,244,535, C>T on the plus strand (G>A on the coding strand, the complement: DNMT3A is on the minus strand). VCF-style: chr2-25244535-C-T. GRCh37 (hg19) VCF-style: chr2-25467404-C-T.
Other names: c.1667+5G>A (NM_175629.2); c.1100+5G>A (NM_153759.3); c.1211+5G>A (NM_001320893.1); c.998+5G>A (NM_001375819.1).
Identifiers: ClinVar variation 2572822 (VCV002572822.1), dbSNP rs1674495842, ClinGen allele CA1239263394.

ClinVar aggregate classification (germline): Uncertain significance (1 of 4 stars; one submission).

Allele frequency attached by ClinVar (database versions not stated): gnomAD 0.00001; gnomAD exomes 0.00002.
gnomAD v4.1: 26 of 1,613,808 alleles (0.0016%); highest among the groups gnomAD compares: East Asian, 0.045%; no homozygotes.

Submission:

GeneDx
Classification: Uncertain significance. Last evaluated: 2023-01-12. Review status: criteria provided, single submitter. Criteria: GeneDx Variant Classification Process June 2021. Collection method: clinical testing. Allele origin: germline. Affected: yes.
Comment: Not observed at significant frequency in large population cohorts (gnomAD); In silico analysis supports that this variant does not alter splicing; Has not been previously published as pathogenic or benign to our knowledge